The following is an entry in ClinVar:

NM_001395413.1(POR):c.485A>C (p.Asp162Ala)

Gene: POR (cytochrome p450 oxidoreductase; plus strand). Cytogenetic location: 7q11.23.
Variant type: single nucleotide variant.
Coding change: c.485A>C on transcript NM_001395413.1 (MANE Select); coding-DNA position 485, A replaced by C.
Protein change: p.Asp162Ala; replaces aspartic acid 162 with alanine.
Molecular consequence: missense variant.
Genome position (GRCh38, 1-based): chr7:75,980,466, A>C. VCF-style: chr7-75980466-A-C. GRCh37 (hg19) VCF-style: chr7-75609784-A-C.
Other names: c.494A>C, p.Asp165Ala (NM_000941.2, NM_000941.3); c.485A>C, p.Asp162Ala (NM_001367562.3, NM_001382657.2, NM_001382658.3 and 2 more transcripts); c.539A>C, p.Asp180Ala (NM_001382655.3); short protein forms D162A, D165A, D180A.
Identifiers: ClinVar variation 2044672 (VCV002044672.1), dbSNP rs782085832, ClinGen allele CA4303648.
Genomic context (GRCh38, chr7:75,980,466, plus strand): 5'-AGGGAGACCCCACCGACAATGCCCAGGACTTCTACGACTGGCTGCAGGAGACAGACGTGG[A>C]TCTCTCTGGGGTCAAGTTCGCGGTGAGTCACCCAGAGACTGCTATGGGCTCCCGGTGGCC-3'
Protein context (NP_001382342.1, residues 152-172): FYDWLQETDV[Asp162Ala]LSGVKFAVFG

ClinVar aggregate classification (germline): Uncertain significance (1 of 4 stars; one submission).

Conditions:
Congenital adrenal hyperplasia due to cytochrome P450 oxidoreductase deficiency. Also called: DISORDERED STEROIDOGENESIS DUE TO POR DEFICIENCY. Identifiers: Orphanet 95699, MedGen C1860042, MONDO:0013310, OMIM 613571.

Allele frequency attached by ClinVar (database versions not stated): TOPMed 0.00001; ExAC 0.00002.
gnomAD v4.1: 5 of 1,612,902 alleles (0.00031%); highest among the groups gnomAD compares: Admixed American, 0.0083%; no homozygotes.

Submission:

Labcorp Genetics (formerly Invitae), Labcorp
Classification: Uncertain significance for Congenital adrenal hyperplasia due to cytochrome P450 oxidoreductase deficiency. Last evaluated: 2022-05-31. Review status: criteria provided, single submitter. Criteria: Invitae Variant Classification Sherloc (09022015). Collection method: clinical testing. Allele origin: germline.
Comment: This sequence change replaces aspartic acid, which is acidic and polar, with alanine, which is neutral and non-polar, at codon 165 of the POR protein (p.Asp165Ala). This variant is present in population databases (rs782085832, gnomAD 0.01%). This variant has not been reported in the literature in individuals affected with POR-related conditions. Algorithms developed to predict the effect of missense changes on protein structure and function are either unavailable or do not agree on the potential impact of this missense change (SIFT: "Deleterious"; PolyPhen-2: "Benign"; Align-GVGD: "Class C65"). In summary, the available evidence is currently insufficient to determine the role of this variant in disease. Therefore, it has been classified as a Variant of Uncertain Significance.